The following is an entry in ClinVar:

ClinVar aggregate classification (germline): Uncertain significance (1 of 4 stars; one submission).

Conditions:
Autosomal dominant epilepsy with auditory features. Identifiers: Orphanet 101046, MedGen C1838062, MONDO:0010898.

Allele frequency attached by ClinVar (database versions not stated): gnomAD exomes below 0.00001.
gnomAD v4.1: 1 of 1,614,030 alleles (0.000062%); highest among the groups gnomAD compares: East Asian, 0.0022%; no homozygotes.

Submission:

Labcorp Genetics (formerly Invitae), Labcorp
Classification: Uncertain significance for Autosomal dominant epilepsy with auditory features. Last evaluated: 2023-10-22. Review status: criteria provided, single submitter. Criteria: Invitae Variant Classification Sherloc (09022015). Collection method: clinical testing. Allele origin: germline.
Comment: This sequence change replaces alanine, which is neutral and non-polar, with valine, which is neutral and non-polar, at codon 110 of the LGI1 protein (p.Ala110Val). This variant is present in population databases (no rsID available, gnomAD 0.006%). This variant has not been reported in the literature in individuals affected with LGI1-related conditions. Advanced modeling of protein sequence and biophysical properties (such as structural, functional, and spatial information, amino acid conservation, physicochemical variation, residue mobility, and thermodynamic stability) has been performed at Invitae for this missense variant, however the output from this modeling did not meet the statistical confidence thresholds required to predict the impact of this variant on LGI1 protein function. In summary, the available evidence is currently insufficient to determine the role of this variant in disease. Therefore, it has been classified as a Variant of Uncertain Significance.

NM_005097.4(LGI1):c.329C>T (p.Ala110Val)

Gene: LGI1 (leucine rich glioma inactivated 1; plus strand). Cytogenetic location: 10q23.33.
Variant type: single nucleotide variant.
Coding change: c.329C>T on transcript NM_005097.4 (MANE Select); coding-DNA position 329, C replaced by T.
Protein change: p.Ala110Val; replaces alanine 110 with valine.
Molecular consequence: missense variant. On other transcripts: intron variant (1).
Genome position (GRCh38, 1-based): chr10:93,777,420, C>T. VCF-style: chr10-93777420-C-T. GRCh37 (hg19) VCF-style: chr10-95537177-C-T.
Other names: c.329C>T, p.Ala110Val (NM_001308275.2); c.288-12679C>T (NM_001308276.2); short protein forms A110V.
Identifiers: ClinVar variation 2770912 (VCV002770912.3), dbSNP rs1172293173, ClinGen allele CA377620746.